The following is an entry in ClinVar:

NM_000214.3(JAG1):c.2500A>G (p.Thr834Ala)

Gene: JAG1 (jagged canonical Notch ligand 1; minus strand). Cytogenetic location: 20p12.2.
Variant type: single nucleotide variant.
Coding change: c.2500A>G on transcript NM_000214.3 (MANE Select); coding-DNA position 2500, A replaced by G.
Protein change: p.Thr834Ala; replaces threonine 834 with alanine.
Molecular consequence: missense variant.
Genome position (GRCh38, 1-based): chr20:10,642,560, T>C on the plus strand (A>G on the coding strand, the complement: JAG1 is on the minus strand). VCF-style: chr20-10642560-T-C. GRCh37 (hg19) VCF-style: chr20-10623208-T-C.
Other names: short protein forms T834A.
Identifiers: ClinVar variation 4746327 (VCV004746327.1).

ClinVar aggregate classification (germline): Uncertain significance (1 of 4 stars; one submission).

Conditions:
Alagille syndrome due to a JAG1 point mutation. Also called: HEPATIC DUCTULAR HYPOPLASIA, SYNDROMATIC; Alagille Syndrome 1; JAG1-Related Alagille Syndrome. Identifiers: Orphanet 261619, Orphanet 52, MedGen C1956125, MONDO:0016862, OMIM 118450.

Submission:

Labcorp Genetics (formerly Invitae), Labcorp
Classification: Uncertain significance for Alagille syndrome due to a JAG1 point mutation. Last evaluated: 2026-02-01. Review status: criteria provided, single submitter. Criteria: Invitae Variant Classification Sherloc (09022015). Collection method: clinical testing. Allele origin: germline.
Comment: This sequence change replaces threonine, which is neutral and polar, with alanine, which is neutral and non-polar, at codon 834 of the JAG1 protein (p.Thr834Ala). This variant is not present in population databases (gnomAD no frequency). This variant has not been reported in the literature in individuals affected with JAG1-related conditions. Invitae Evidence Modeling of protein sequence and biophysical properties (such as structural, functional, and spatial information, amino acid conservation, physicochemical variation, residue mobility, and thermodynamic stability) indicates that this missense variant is expected to disrupt JAG1 protein function with a positive predictive value of 95%. In summary, the available evidence is currently insufficient to determine the role of this variant in disease. Therefore, it has been classified as a Variant of Uncertain Significance.